The following is an entry in ClinVar:

ClinVar aggregate classification (germline): Pathogenic (1 of 4 stars; one submission).

Submission:

Labcorp Genetics (formerly Invitae), Labcorp
Classification: Pathogenic. Last evaluated: 2021-10-09. Review status: criteria provided, single submitter. Criteria: Invitae Variant Classification Sherloc (09022015). Collection method: clinical testing. Allele origin: germline.
Comment: This variant is not present in population databases (ExAC no frequency). This sequence change creates a premature translational stop signal (p.Arg445Serfs*40) in the TGM1 gene. It is expected to result in an absent or disrupted protein product. Loss-of-function variants in TGM1 are known to be pathogenic (PMID: 18948357, 19241467). This variant has not been reported in the literature in individuals affected with TGM1-related conditions. For these reasons, this variant has been classified as Pathogenic.

Literature cited by the submitters: PubMed 18948357; PubMed 19241467.

NM_000359.3(TGM1):c.1335_1344del (p.Arg445fs)

Gene: TGM1 (transglutaminase 1; minus strand). Cytogenetic location: 14q12.
Variant type: Deletion.
Coding change: c.1335_1344del on transcript NM_000359.3 (MANE Select); coding-DNA positions 1335 to 1344, 10 bases deleted (GCCGGATCTG; older notation c.1335_1344delGCCGGATCTG).
Protein change: p.Arg445fs; shifts the reading frame from arginine 445.
Molecular consequence: frameshift variant.
Genome position (GRCh38, 1-based): chr14:24,258,343-24,258,352, CAGATCCGGC deleted on the plus strand (GCCGGATCTG on the coding strand, the reverse complement: TGM1 is on the minus strand); deleting any 10 consecutive bases within chr14:24,258,343-24,258,353 gives the same sequence; the c. name uses the placement nearest the transcript's 3' end. VCF-style (leftmost placement, unchanged base first): chr14-24258342-GCAGATCCGGC-G. GRCh37 (hg19) VCF-style: chr14-24727548-GCAGATCCGGC-G.
Other names: short protein forms R445fs.
Identifiers: ClinVar variation 1429740 (VCV001429740.6), dbSNP rs2139023246, ClinGen allele CA2573149806.